The following is an entry in ClinVar:

NM_004525.3(LRP2):c.13721G>A (p.Gly4574Glu)

Gene: LRP2 (LDL receptor related protein 2; minus strand). Cytogenetic location: 2q31.1.
Variant type: single nucleotide variant.
Coding change: c.13721G>A on transcript NM_004525.3 (MANE Select); coding-DNA position 13721, G replaced by A.
Protein change: p.Gly4574Glu; replaces glycine 4574 with glutamic acid.
Molecular consequence: missense variant.
Genome position (GRCh38, 1-based): chr2:169,132,581, C>T on the plus strand (G>A on the coding strand, the complement: LRP2 is on the minus strand). VCF-style: chr2-169132581-C-T. GRCh37 (hg19) VCF-style: chr2-169989091-C-T.
Other names: short protein forms G4574E.
Identifiers: ClinVar variation 2095897 (VCV002095897.4), dbSNP rs2545628241, ClinGen allele CA349150656.

ClinVar aggregate classification (germline): Uncertain significance (1 of 4 stars; one submission).

Submission:

Labcorp Genetics (formerly Invitae), Labcorp
Classification: Uncertain significance. Last evaluated: 2022-02-10. Review status: criteria provided, single submitter. Criteria: Invitae Variant Classification Sherloc (09022015). Collection method: clinical testing. Allele origin: germline.
Comment: This sequence change replaces glycine, which is neutral and non-polar, with glutamic acid, which is acidic and polar, at codon 4574 of the LRP2 protein (p.Gly4574Glu). In summary, the available evidence is currently insufficient to determine the role of this variant in disease. Therefore, it has been classified as a Variant of Uncertain Significance. Advanced modeling of protein sequence and biophysical properties (such as structural, functional, and spatial information, amino acid conservation, physicochemical variation, residue mobility, and thermodynamic stability) performed at Invitae indicates that this missense variant is not expected to disrupt LRP2 protein function. This variant has not been reported in the literature in individuals affected with LRP2-related conditions. This variant is not present in population databases (gnomAD no frequency).